The following is an entry in ClinVar:

NM_004991.4(MECOM):c.1802T>C (p.Leu601Pro)

Gene: MECOM (MDS1 and EVI1 complex locus; minus strand). Cytogenetic location: 3q26.2.
Variant type: single nucleotide variant.
Coding change: c.1802T>C on transcript NM_004991.4 (MANE Select); coding-DNA position 1802, T replaced by C.
Protein change: p.Leu601Pro; replaces leucine 601 with proline.
Molecular consequence: missense variant. On other transcripts: intron variant (2).
Genome position (GRCh38, 1-based): chr3:169,116,070, A>G on the plus strand (T>C on the coding strand, the complement: MECOM is on the minus strand). VCF-style: chr3-169116070-A-G. GRCh37 (hg19) VCF-style: chr3-168833858-A-G.
Other names: c.1433T>C, p.Leu478Pro (NM_001105077.4); c.1238T>C, p.Leu413Pro (NM_001105078.4, NM_001164000.2, NM_001205194.2 and 4 more transcripts); c.1241T>C, p.Leu414Pro (NM_001163999.2, NM_001366467.2, NM_001366468.2 and 1 more transcripts); c.1802T>C, p.Leu601Pro (NM_001366466.2); c.1133-303T>C (NM_001366473.2); c.569-303T>C (NM_001366474.2); short protein forms L413P, L414P, L478P, L601P.
Identifiers: ClinVar variation 4105826 (VCV004105826.1).

ClinVar aggregate classification (germline): Uncertain significance (1 of 4 stars; one submission).

Conditions:
Inborn genetic diseases. Identifiers: MedGen C0950123, MeSH D030342.

Submission:

Ambry Genetics
Classification: Uncertain significance for Inborn genetic diseases. Last evaluated: 2025-08-03. Review status: criteria provided, single submitter. Criteria: Ambry Variant Classification Scheme 2023. Collection method: clinical testing. Allele origin: germline.
Comment: The p.L601P variant (also known as c.1802T>C), located in coding exon 8 of the MECOM gene, results from a T to C substitution at nucleotide position 1802. The leucine at codon 601 is replaced by proline, an amino acid with similar properties. This amino acid position is conserved. In addition, the in silico prediction for this alteration is inconclusive. Based on the available evidence, the clinical significance of this variant remains unclear.